The following is an entry in ClinVar:

NM_000179.3(MSH6):c.1339C>T (p.Leu447=)

Gene: MSH6 (mutS homolog 6; plus strand). Cytogenetic location: 2p16.3.
Variant type: single nucleotide variant.
Coding change: c.1339C>T on transcript NM_000179.3 (MANE Select); coding-DNA position 1339, C replaced by T.
Protein change: p.Leu447=; no amino-acid change (leucine 447 retained).
Molecular consequence: synonymous variant.
Genome position (GRCh38, 1-based): chr2:47,799,322, C>T. VCF-style: chr2-47799322-C-T. GRCh37 (hg19) VCF-style: chr2-48026461-C-T.
Other names: c.949C>T, p.Leu317= (NM_001281492.2); c.433C>T, p.Leu145= (NM_001281493.2, NM_001281494.2).
Identifiers: ClinVar variation 391653 (VCV000391653.24), dbSNP rs369709529, ClinGen allele CA067498.
Genomic context (GRCh38, chr2:47,799,322, plus strand): 5'-TACAAGGTGGGGAAATTTTATGAGCTGTACCACATGGATGCTCTTATTGGAGTCAGTGAA[C>T]TGGGGCTGGTATTCATGAAAGGCAACTGGGCCCATTCTGGCTTTCCTGAAATTGCATTTG-3'
Protein context (NP_000170.1, residues 437-457): HMDALIGVSE[Leu447=]GLVFMKGNWA

ClinVar aggregate classification (germline): Benign/Likely benign. Review status: criteria provided, multiple submitters, no conflicts (2 of 4 stars). 8 submissions from 8 submitters: Benign (1); Likely benign (7). Last evaluated 2025-10-22.

Conditions:
Mismatch repair cancer syndrome 3. Identifiers: MedGen C5436807, MONDO:0030841, OMIM 619097.
Lynch syndrome 5 (LYNCH5). Also called: Colorectal cancer, hereditary nonpolyposis, type 5; Hereditary non-polyposis colorectal cancer, type 5. Identifiers: Orphanet 144, MedGen C1833477, MONDO:0013710, OMIM 614350. Disease mechanism: loss of function.
Endometrial carcinoma. Also called: Endometrial carcinoma, somatic. Identifiers: MedGen C0476089, MONDO:0002447, OMIM 608089, HP:0012114.
Hereditary nonpolyposis colorectal neoplasms. Identifiers: MedGen C0009405, MeSH D003123.
Hereditary cancer-predisposing syndrome. Also called: Tumor predisposition; Neoplastic Syndromes, Hereditary; Hereditary neoplastic syndrome; Hereditary Cancer Syndrome. Identifiers: Orphanet 140162, MedGen C0027672, MeSH D009386, MONDO:0015356.

Allele frequency attached by ClinVar (database versions not stated): gnomAD 0.00001 and 0.00002; TOPMed 0.00002; ESP Exome Variant Server 0.00008.
gnomAD v4.1: 26 of 1,613,758 alleles (0.0016%); highest among the groups gnomAD compares: South Asian, 0.024%; no homozygotes.

Submissions (8):

Labcorp Genetics (formerly Invitae), Labcorp
Classification: Likely benign for Hereditary nonpolyposis colorectal neoplasms. Last evaluated: 2025-10-22. Review status: criteria provided, single submitter. Criteria: Invitae Variant Classification Sherloc (09022015). Collection method: clinical testing. Allele origin: germline.

Myriad Genetics, Inc.
Classification: Benign for Lynch syndrome 5. Last evaluated: 2024-12-26. Review status: criteria provided, single submitter. Criteria: Myriad Autosomal Dominant, Autosomal Recessive and X-Linked Classification Criteria (2023). Collection method: clinical testing. Allele origin: unknown.
Comment: This variant is considered benign. This variant is a silent/synonymous amino acid change and it is not expected to impact splicing.

Blueprint Genetics
Classification: Likely benign. Last evaluated: 2024-02-08. Review status: criteria provided, single submitter. Criteria: ACMG Guidelines, 2015. Collection method: clinical testing. Allele origin: germline.

KCCC/NGS Laboratory, Kuwait Cancer Control Center
Classification: Likely benign for Lynch syndrome 5. Last evaluated: 2023-07-07. Review status: criteria provided, single submitter. Criteria: ACMG Guidelines, 2015. Collection method: clinical testing. Allele origin: germline. Affected: yes.

Department of Pathology and Laboratory Medicine, Sinai Health System
Classification: Likely benign for Endometrial carcinoma; Lynch syndrome 5; Mismatch repair cancer syndrome 3. Last evaluated: 2022-07-28. Review status: criteria provided, single submitter. Criteria: ACMG Guidelines, 2015. Collection method: clinical testing. Allele origin: germline. Affected: yes.

GeneDx
Classification: Likely benign. Last evaluated: 2019-10-22. Review status: criteria provided, single submitter. Criteria: GeneDx Variant Classification Process June 2021. Collection method: clinical testing. Allele origin: germline. Affected: yes.

Ambry Genetics
Classification: Likely benign for Hereditary cancer-predisposing syndrome. Last evaluated: 2016-10-05. Review status: criteria provided, single submitter. Criteria: Ambry Variant Classification Scheme 2023. Collection method: clinical testing. Allele origin: germline.

Color Diagnostics, LLC DBA Color Health
Classification: Likely benign for Hereditary cancer-predisposing syndrome. Last evaluated: 2015-10-16. Review status: criteria provided, single submitter. Criteria: ACMG Guidelines, 2015. Collection method: clinical testing. Allele origin: germline.